The following is an entry in ClinVar:

NM_002519.3(NPAT):c.2776T>A (p.Phe926Ile)

Gene: NPAT (nuclear protein, coactivator of histone transcription; minus strand). Cytogenetic location: 11q22.3.
Variant type: single nucleotide variant.
Coding change: c.2776T>A on transcript NM_002519.3 (MANE Select); coding-DNA position 2776, T replaced by A.
Protein change: p.Phe926Ile; replaces phenylalanine 926 with isoleucine.
Molecular consequence: missense variant.
Genome position (GRCh38, 1-based): chr11:108,172,208, A>T on the plus strand (T>A on the coding strand, the complement: NPAT is on the minus strand). VCF-style: chr11-108172208-A-T. GRCh37 (hg19) VCF-style: chr11-108042935-A-T.
Other names: c.2776T>A, p.Phe926Ile (NM_001321307.1); short protein forms F926I.
Identifiers: ClinVar variation 3300713 (VCV003300713.1).
Genomic context (GRCh38, chr11:108,172,208, plus strand): 5'-AATTAGATCCCAACCCAGAGAAACAAATTTCAATTATGTTATTAAAGTTACCTTGTGAAA[A>T]GTTTGGTGACACAGCTTGGTTGACAGCAAATACACTGTTTGACCTTGGTGGTGTCTGTAA-3'
Protein context (NP_002510.2, residues 916-936): FAVNQAVSPN[Phe926Ile]SQGSAIIIAS

ClinVar aggregate classification (germline): Uncertain significance (1 of 4 stars; one submission).

Submission:

Ambry Genetics
Classification: Uncertain significance. Last evaluated: 2024-06-06. Review status: criteria provided, single submitter. Criteria: Ambry Variant Classification Scheme 2023. Collection method: clinical testing. Allele origin: germline.
Comment: The p.F926I variant (also known as c.2776T>A), located in coding exon 13 of the NPAT gene, results from a T to A substitution at nucleotide position 2776. The phenylalanine at codon 926 is replaced by isoleucine, an amino acid with highly similar properties. This amino acid position is conserved. In addition, this alteration is predicted to be tolerated by in silico analysis. Based on the available evidence, the clinical significance of this variant remains unclear.